The following is an entry in ClinVar:

ClinVar aggregate classification (germline): Uncertain significance (1 of 4 stars; one submission).

Allele frequency attached by ClinVar (database versions not stated): TOPMed below 0.00001.

Submission:

Labcorp Genetics (formerly Invitae), Labcorp
Classification: Uncertain significance. Last evaluated: 2022-03-14. Review status: criteria provided, single submitter. Criteria: Invitae Variant Classification Sherloc (09022015). Collection method: clinical testing. Allele origin: germline.
Comment: Algorithms developed to predict the effect of missense changes on protein structure and function are either unavailable or do not agree on the potential impact of this missense change (SIFT: "Deleterious"; PolyPhen-2: "Probably Damaging"; Align-GVGD: "Class C0"). In summary, the available evidence is currently insufficient to determine the role of this variant in disease. Therefore, it has been classified as a Variant of Uncertain Significance. This sequence change replaces leucine, which is neutral and non-polar, with arginine, which is basic and polar, at codon 545 of the ATP1A1 protein (p.Leu545Arg). This variant has not been reported in the literature in individuals affected with ATP1A1-related conditions. This variant is not present in population databases (gnomAD no frequency).

NM_000701.8(ATP1A1):c.1634T>G (p.Leu545Arg)

Genes: ATP1A1 (ATPase Na+/K+ transporting subunit alpha 1; plus strand), ATP1A1-AS1 (ATP1A1 antisense RNA 1; minus strand). Cytogenetic location: 1p13.1.
Variant type: single nucleotide variant.
Coding change: c.1634T>G on transcript NM_000701.8 (MANE Select); coding-DNA position 1634, T replaced by G.
Protein change: p.Leu545Arg; replaces leucine 545 with arginine.
Molecular consequence: missense variant.
Genome position (GRCh38, 1-based): chr1:116,393,697, T>G. VCF-style: chr1-116393697-T-G. GRCh37 (hg19) VCF-style: chr1-116936319-T-G.
Other names: c.1634T>G, p.Leu545Arg (NM_001160233.2); c.1541T>G, p.Leu514Arg (NM_001160234.2); short protein forms L514R, L545R.
Identifiers: ClinVar variation 2092733 (VCV002092733.4), dbSNP rs1652660012, ClinGen allele CA341771256.